The following is an entry in ClinVar:

ClinVar aggregate classification (germline): Uncertain significance (1 of 4 stars; one submission).

Conditions:
Nemaline myopathy 2 (NEM2). Also called: Nemaline myopathy 2, autosomal recessive. Identifiers: MedGen C1850569, MONDO:0009725, OMIM 256030.

Allele frequency attached by ClinVar (database versions not stated): gnomAD 0.00001; TOPMed 0.00001.
gnomAD v4.1: 1 of 1,551,178 alleles (0.000064%); highest among the groups gnomAD compares: African/African-American, 0.0014%; no homozygotes.

Submission:

Labcorp Genetics (formerly Invitae), Labcorp
Classification: Uncertain significance for Nemaline myopathy 2. Last evaluated: 2024-11-18. Review status: criteria provided, single submitter. Criteria: Invitae Variant Classification Sherloc (09022015). Collection method: clinical testing. Allele origin: germline.
Comment: This sequence change replaces asparagine, which is neutral and polar, with lysine, which is basic and polar, at codon 8101 of the NEB protein (p.Asn8101Lys). This variant is not present in population databases (gnomAD no frequency). This variant has not been reported in the literature in individuals affected with NEB-related conditions. ClinVar contains an entry for this variant (Variation ID: 1442464). Experimental studies and prediction algorithms are not available or were not evaluated, and the functional significance of this variant is currently unknown. In summary, the available evidence is currently insufficient to determine the role of this variant in disease. Therefore, it has been classified as a Variant of Uncertain Significance.

NM_001164508.2(NEB):c.24198C>A (p.Asn8066Lys)

Genes: NEB (nebulin; minus strand), RIF1 (replication timing regulatory factor 1; plus strand). Cytogenetic location: 2q23.3.
Variant type: single nucleotide variant.
Coding change: c.24198C>A on transcript NM_001164508.2 (MANE Select); coding-DNA position 24198, C replaced by A.
Protein change: p.Asn8066Lys; replaces asparagine 8066 with lysine.
Molecular consequence: missense variant. On other transcripts: intron variant (1).
Genome position (GRCh38, 1-based): chr2:151,498,269, G>T on the plus strand (C>A on the coding strand, the complement: NEB is on the minus strand). VCF-style: chr2-151498269-G-T. GRCh37 (hg19) VCF-style: chr2-152354783-G-T.
Other names: c.24198C>A, p.Asn8066Lys (NM_001164507.2); c.24303C>A, p.Asn8101Lys (NM_001271208.2); c.18826-1901C>A (NM_004543.5); short protein forms N8066K, N8101K.
Identifiers: ClinVar variation 1442464 (VCV001442464.5), dbSNP rs2061715771, ClinGen allele CA348779149.